The following continues an entry in ClinVar:

NM_000363.5(TNNI3):c.434G>A (p.Arg145Gln)

Gene: TNNI3. ClinVar aggregate classification (germline): Pathogenic/Likely pathogenic. Pathogenic (10); Likely pathogenic (8).

Submissions 9 to 19 of 19:

Molecular Diagnostic Laboratory for Inherited Cardiovascular Disease, Montreal Heart Institute
Classification: Pathogenic for Cardiovascular phenotype. Last evaluated: 2024-08-29. Review status: criteria provided, single submitter. Criteria: ACMG Guidelines, 2015. Collection method: clinical testing. Allele origin: germline. Affected: yes.
Comment: PS3, PS4, PM1, PM2, PM5, PP1, PP2, PP3

Blueprint Genetics
Classification: Pathogenic for TNNI3-related disorders. Last evaluated: 2024-04-22. Review status: criteria provided, single submitter. Criteria: ACMG Guidelines, 2015. Collection method: clinical testing. Allele origin: germline. Affected: yes. Observed: 2 variant alleles.

Illumina Laboratory Services, Illumina
Classification: Pathogenic for Hypertrophic cardiomyopathy 7. Last evaluated: 2023-10-04. Review status: criteria provided, single submitter. Criteria: ICSLVariantClassificationCriteria RUGD 01 April 2020. Collection method: clinical testing. Allele origin: unknown.
Comment: The TNNI3 c.434G>A p.(Arg145Gln) missense variant results in the substitution of arginine at position 145 with glutamine. This variant has been previously identified in multiple individuals with hypertrophic cardiomyopathy (PMID: 9241277; 15607392; 24111713; 29255176; 33673806). Additionally, two different amino acid substitutions at this same codon have been reported in individuals with hypertrophic cardiomyopathy. Functional studies conduced using purified proteins and in an ex vivo animal model demonstrated that this variant impacts protein function (PMID: 11735257). This variant is not observed at a significant frequency in version 2.1.1 or version 3.1.2 of the Genome Aggregation Database. Multiple lines of computational evidence suggest the variant may impact the gene or gene product. This variant has been classified as pathogenic by at least three submitters in ClinVar. Based on the available evidence, the c.434G>A p.(Arg145Gln) variant has been classified as pathogenic for TNNI3-related cardiomyopathy.

Fulgent Genetics
Classification: Pathogenic for Cardiomyopathy, familial restrictive, 1; Dilated cardiomyopathy 2A; Dilated cardiomyopathy 1FF; Hypertrophic cardiomyopathy 7. Last evaluated: 2021-11-24. Review status: criteria provided, single submitter. Criteria: ACMG Guidelines, 2015. Collection method: clinical testing. Allele origin: unknown.

GeneDx
Classification: Pathogenic. Last evaluated: 2021-10-20. Review status: criteria provided, single submitter. Criteria: GeneDx Variant Classification Process June 2021. Collection method: clinical testing. Allele origin: germline. Affected: yes.
Comment: Described as mosaic in an individual with restrictive cardiomyopathy who also harbored a second missense variant in the TNNI3 gene (van den Wijngaard et al., 2011); Not observed at significant frequency in large population cohorts (Lek et al., 2016); In silico analysis supports that this missense variant has a deleterious effect on protein structure/function; Functional studies demonstrated that R145Q results in a large increase in the Ca2+ sensitivity of cardiac muscle contraction (Takahashi-Yanaga et al., 2001); Reported in ClinVar (ClinVar Variant ID# 43384; Landrum et al., 2016); This variant is associated with the following publications: (PMID: 27532257, 25132132, 21533915, 23283745, 15961398, 15607392, 24111713, 29203298, 28193612, 9241277, 16288990, 31513939, 31737537, 33673806, 32686758, 34137518, 11735257)

AiLife Diagnostics
Classification: Pathogenic. Last evaluated: 2021-10-12. Review status: criteria provided, single submitter. Criteria: ACMG Guidelines, 2015. Collection method: clinical testing. Allele origin: germline. Affected: yes. Observed: 1 variant allele.

CHEO Genetics Diagnostic Laboratory, Children's Hospital of Eastern Ontario
Classification: Likely pathogenic for Cardiomyopathy. Last evaluated: 2020-12-24. Review status: criteria provided, single submitter. Criteria: ACMG Guidelines, 2015. Collection method: clinical testing. Allele origin: germline.

Laboratory for Molecular Medicine, Mass General Brigham Personalized Medicine
Classification: Likely pathogenic for Hypertrophic cardiomyopathy. Last evaluated: 2019-04-05. Review status: criteria provided, single submitter. Criteria: ACMG Guidelines, 2015. Collection method: clinical testing. Allele origin: germline.
Comment: The p.Arg145Gln variant in TNNI3 has been reported in 10 individuals with HCM and 1 individual with RCM who also carried a second variant in TNNI3 (Berge 2014, Mogensen 2004, Kimura 1997, van den Wijngaard 2011, Wang 2014, Zou 2013, LMM data). This variant has also been reported in ClinVar (Variation ID 43384) as Pathogenic and Likely pathogenic, and in 2/17246 East Asian and 2/33578 Latino chromosomes by the Genome Aggregation Database (gnomAD; dbSNP rs397516349). This variant was predicted to be pathogenic using a computational tool clinically validated by our laboratory. This tool's pathogenic prediction is estimated to be correct 94% of the time (Jordan 2011). In vitro functional studies provide some evidence that the p.Arg145Gln variant may impact protein function (Takahashi-Yanaga 2001). However, these types of assays may not accurately represent biological function. In addition, 2 other pathogenic variants have been reported at this amino acid position (p.Arg145Gly and p.Arg145Trp), suggesting that this residue has functional importance. In summary, although additional studies are required to fully establish its clinical significance, the p.Arg145Gln variant is likely pathogenic.

Agnes Ginges Centre for Molecular Cardiology, Centenary Institute
Classification: Likely pathogenic for Hypertrophic cardiomyopathy 7. Last evaluated: 2018-09-05. Review status: criteria provided, single submitter. Criteria: ACMG Guidelines, 2015. Collection method: research. Allele origin: germline. Inheritance: Autosomal dominant inheritance. Affected: yes.
Comment: This variant has been identified as part of our research program. Refer to the 'condition' field for the phenotype of the proband(s) identified with this variant. For further information please feel free to contact us.

Center for Human Genetics, University of Leuven
Classification: Likely pathogenic for Hypertrophic cardiomyopathy. Last evaluated: 2017-02-09. Review status: criteria provided, single submitter. Criteria: ACMG Guidelines, 2015. Collection method: clinical testing. Allele origin: germline. Inheritance: Autosomal dominant inheritance. Affected: yes. Observed: 5 variant alleles.
Comment: ACMG score likely pathogenic

Clinical Genetics Laboratory, Skane University Hospital Lund
Classification: Likely pathogenic for Hypertrophic cardiomyopathy. Last evaluated: 2026-01-08. Review status: no assertion criteria provided. Collection method: clinical testing. Allele origin: germline. Affected: yes. Not counted in ClinVar's aggregate classification.
Comment: Assessed accordiing to the ClinGen Cardiomyopathy Expert Panel Specifications to the ACMG/AMP Variant Interpretation Guidelines for TNNI3 Version 1.0.0. Applied criteria: PS3_supporting, PS4, PM1, PM2_supporting, PP3.

Literature cited by the submitters: PubMed 12531876 (cited by 3billion); PubMed 25132132 (cited by 7 submitters); PubMed 9241277 (cited by 10 submitters); PubMed 23283745 (cited by 7 submitters); PubMed 11735257 (cited by 9 submitters); PubMed 15607392 (cited by 9 submitters); PubMed 24111713 (cited by 7 submitters); PubMed 21310275 (cited by Labcorp Genetics (formerly Invitae), Labcorp); PubMed 20641121 (cited by Labcorp Genetics (formerly Invitae), Labcorp); PubMed 23610579 (cited by Labcorp Genetics (formerly Invitae), Labcorp); PubMed 21533915 (cited by 6 submitters); PubMed 29255176 (cited by 5 submitters); PubMed 32492895 (cited by 3 submitters); PubMed 34137518 (cited by 3 submitters); PubMed 15070570 (cited by Victorian Clinical Genetics Services, Murdoch Childrens Research Institute); PubMed 32731933 (cited by Victorian Clinical Genetics Services, Murdoch Childrens Research Institute); PubMed 23270746 (cited by Victorian Clinical Genetics Services, Murdoch Childrens Research Institute); PubMed 19914256 (cited by Victorian Clinical Genetics Services, Murdoch Childrens Research Institute); PubMed 27532257 (cited by 4 submitters); PubMed 28193612 (cited by 3 submitters); PubMed 30696458 (cited by Color Diagnostics, LLC DBA Color Health); PubMed 31737537 (cited by 3 submitters); PubMed 32686758 (cited by 3 submitters); PubMed 33673806 (cited by 4 submitters); PubMed 35653365 (cited by Color Diagnostics, LLC DBA Color Health); PubMed 36291626 (cited by Color Diagnostics, LLC DBA Color Health); PubMed 37949661 (cited by Color Diagnostics, LLC DBA Color Health); PubMed 38757491 (cited by Color Diagnostics, LLC DBA Color Health); PubMed 33407484 (cited by AiLife Diagnostics); PubMed 31513939 (cited by AiLife Diagnostics); PubMed 3144325 (cited by Laboratory for Molecular Medicine, Mass General Brigham Personalized Medicine).